The following is an entry in ClinVar:

NM_017617.5(NOTCH1):c.5061G>T (p.Gln1687His)

Gene: NOTCH1 (notch receptor 1; minus strand). Cytogenetic location: 9q34.3.
Variant type: single nucleotide variant.
Coding change: c.5061G>T on transcript NM_017617.5 (MANE Select); coding-DNA position 5061, G replaced by T.
Protein change: p.Gln1687His; replaces glutamine 1687 with histidine.
Molecular consequence: missense variant.
Genome position (GRCh38, 1-based): chr9:136,503,288, C>A on the plus strand (G>T on the coding strand, the complement: NOTCH1 is on the minus strand). VCF-style: chr9-136503288-C-A. GRCh37 (hg19) VCF-style: chr9-139397740-C-A.
Other names: c.5061G>T, p.Gln1687His (LRG_1122t1); short protein forms Q1687H.
Identifiers: ClinVar variation 139665 (VCV000139665.2), dbSNP rs515726233, ClinGen allele CA163410.

ClinVar aggregate classification (germline): Likely pathogenic (0 of 4 stars; one submission).

Conditions:
Abnormal heart morphology. Also called: Heart, malformation of; Abnormality of cardiac morphology. Identifiers: MedGen C0018798, MeSH D006330, HP:0001627.

Allele frequency attached by ClinVar (database versions not stated): gnomAD exomes below 0.00001.
gnomAD v4.1: 1 of 1,612,982 alleles (0.000062%); highest among the groups gnomAD compares: Non-Finnish European, 0.000085%; no homozygotes.

Submission:

Laboratory for Genetics of Human Development Center for Human Genetics, Catholic University of Leuven
Classification: Likely pathogenic. Review status: no assertion criteria provided. Collection method: not provided. Allele origin: germline, inherited.
ClinVar note: Converted during submission from probable-pathogenic to Likely pathogenic.